The following is an entry in ClinVar:

NM_004415.4(DSP):c.334G>T (p.Ala112Ser)

Gene: DSP (desmoplakin; plus strand). Cytogenetic location: 6p24.3.
Variant type: single nucleotide variant.
Coding change: c.334G>T on transcript NM_004415.4 (MANE Select); coding-DNA position 334, G replaced by T.
Protein change: p.Ala112Ser; replaces alanine 112 with serine.
Molecular consequence: missense variant.
Genome position (GRCh38, 1-based): chr6:7,558,176, G>T. VCF-style: chr6-7558176-G-T. GRCh37 (hg19) VCF-style: chr6-7558409-G-T.
Other names: c.334G>T, p.Ala112Ser (NM_001008844.3, NM_001319034.2); short protein forms A112S.
Identifiers: ClinVar variation 1171034 (VCV001171034.3), dbSNP rs758746580, ClinGen allele CA037924.

ClinVar aggregate classification (germline): Uncertain significance (1 of 4 stars; one submission).

Conditions:
Cardiomyopathy (CMYO). Also called: Cardiomyopathies. Identifiers: Orphanet 167848, MedGen C0878544, MONDO:0004994, HP:0001638. Inheritance: Various modes of inheritance.

Allele frequency attached by ClinVar (database versions not stated): gnomAD exomes below 0.00001; ExAC 0.00001; gnomAD 0.00001.
gnomAD v4.1: 1 of 1,614,054 alleles (0.000062%); highest among the groups gnomAD compares: Admixed American, 0.0017%; no homozygotes.

Submission:

Color Diagnostics, LLC DBA Color Health
Classification: Uncertain significance for Cardiomyopathy. Last evaluated: 2024-03-06. Review status: criteria provided, single submitter. Criteria: ACMG Guidelines, 2015. Collection method: clinical testing. Allele origin: germline.
Comment: This missense variant replaces alanine with serine at codon 112 of the DSP protein. Computational prediction suggests that this variant may not impact protein structure and function (internally defined REVEL score threshold <= 0.5, PMID: 27666373). To our knowledge, functional studies have not been reported for this variant. This variant has not been reported in individuals affected with cardiovascular disorders in the literature. This variant has been identified in 1/251454 chromosomes in the general population by the Genome Aggregation Database (gnomAD). The available evidence is insufficient to determine the role of this variant in disease conclusively. Therefore, this variant is classified as a Variant of Uncertain Significance.